The following is an entry in ClinVar:

ClinVar aggregate classification (germline): Uncertain significance. Review status: criteria provided, multiple submitters, no conflicts (2 of 4 stars). 2 submissions from 2 submitters: Uncertain significance (2). Last evaluated 2024-11-25.

Conditions:
Primary ciliary dyskinesia 32. Also called: CILIARY DYSKINESIA, PRIMARY, 32, WITHOUT SITUS INVERSUS. Identifiers: Orphanet 244, MedGen C4225311, MONDO:0014657, OMIM 616481.
Inborn genetic diseases. Identifiers: MedGen C0950123, MeSH D030342.

Allele frequency attached by ClinVar (database versions not stated): TOPMed 0.00003; gnomAD 0.00004 and 0.00005; ESP Exome Variant Server 0.00008; 1000 Genomes Project 0.00020; 1000 Genomes Project 30x 0.00031.
gnomAD v4.1: 92 of 1,614,110 alleles (0.0057%); highest among the groups gnomAD compares: Admixed American, 0.018%; no homozygotes.

Submissions (2):

Ambry Genetics
Classification: Uncertain significance for Inborn genetic diseases. Last evaluated: 2024-11-25. Review status: criteria provided, single submitter. Criteria: Ambry Variant Classification Scheme 2023. Collection method: clinical testing. Allele origin: germline.

Labcorp Genetics (formerly Invitae), Labcorp
Classification: Uncertain significance for Primary ciliary dyskinesia 32. Last evaluated: 2024-09-30. Review status: criteria provided, single submitter. Criteria: Invitae Variant Classification Sherloc (09022015). Collection method: clinical testing. Allele origin: germline.
Comment: This sequence change replaces alanine, which is neutral and non-polar, with threonine, which is neutral and polar, at codon 397 of the RSPH3 protein (p.Ala397Thr). This variant is present in population databases (rs376531718, gnomAD 0.02%). This variant has not been reported in the literature in individuals affected with RSPH3-related conditions. ClinVar contains an entry for this variant (Variation ID: 969510). An algorithm developed to predict the effect of missense changes on protein structure and function (PolyPhen-2) suggests that this variant is likely to be disruptive. In summary, the available evidence is currently insufficient to determine the role of this variant in disease. Therefore, it has been classified as a Variant of Uncertain Significance.

NM_031924.8(RSPH3):c.763G>A (p.Ala255Thr)

Gene: RSPH3 (radial spoke head 3; minus strand). Cytogenetic location: 6q25.3.
Variant type: single nucleotide variant.
Coding change: c.763G>A on transcript NM_031924.8 (MANE Select); coding-DNA position 763, G replaced by A.
Protein change: p.Ala255Thr; replaces alanine 255 with threonine.
Molecular consequence: missense variant. On other transcripts: non-coding transcript variant (1).
Genome position (GRCh38, 1-based): chr6:158,980,870, C>T on the plus strand (G>A on the coding strand, the complement: RSPH3 is on the minus strand). VCF-style: chr6-158980870-C-T. GRCh37 (hg19) VCF-style: chr6-159401902-C-T.
Other names: c.901G>A, p.Ala301Thr (NM_001346418.1); short protein forms A301T, A255T.
Identifiers: ClinVar variation 969510 (VCV000969510.10), dbSNP rs376531718, ClinGen allele CA4075822.